The following is an entry in ClinVar:

ClinVar aggregate classification (germline): Uncertain significance (1 of 4 stars; one submission).

Conditions:
Xeroderma pigmentosum, group F (XPF). Also called: XERODERMA PIGMENTOSUM, COMPLEMENTATION GROUP F; XERODERMA PIGMENTOSUM VI; XP, GROUP F; ERCC4-Related Xeroderma Pigmentosum; XERODERMA PIGMENTOSUM, TYPE F; Xeroderma pigmentosum, type 6. Identifiers: MedGen C0268140, MONDO:0010215, OMIM 278760.
Fanconi anemia complementation group Q. Identifiers: Orphanet 84, MedGen C3808988, MONDO:0014108, OMIM 615272.
Cockayne syndrome. Identifiers: Orphanet 191, MedGen C0009207, MONDO:0016006.

gnomAD v4.1: 1 of 1,614,170 alleles (0.000062%); highest among the groups gnomAD compares: Non-Finnish European, 0.000085%; no homozygotes.

Submission:

Labcorp Genetics (formerly Invitae), Labcorp
Classification: Uncertain significance for Fanconi anemia complementation group Q; Xeroderma pigmentosum, group F; Cockayne syndrome. Last evaluated: 2025-04-08. Review status: criteria provided, single submitter. Criteria: Invitae Variant Classification Sherloc (09022015). Collection method: clinical testing. Allele origin: germline.
Comment: This sequence change replaces leucine, which is neutral and non-polar, with valine, which is neutral and non-polar, at codon 551 of the ERCC4 protein (p.Leu551Val). This variant is present in population databases (no rsID available, gnomAD 0.0009%). This variant has not been reported in the literature in individuals affected with ERCC4-related conditions. Invitae Evidence Modeling of protein sequence and biophysical properties (such as structural, functional, and spatial information, amino acid conservation, physicochemical variation, residue mobility, and thermodynamic stability) indicates that this missense variant is not expected to disrupt ERCC4 protein function with a negative predictive value of 80%. In summary, the available evidence is currently insufficient to determine the role of this variant in disease. Therefore, it has been classified as a Variant of Uncertain Significance.

NM_005236.3(ERCC4):c.1651C>G (p.Leu551Val)

Gene: ERCC4 (ERCC excision repair 4, endonuclease catalytic subunit; plus strand). Cytogenetic location: 16p13.12.
Variant type: single nucleotide variant.
Coding change: c.1651C>G on transcript NM_005236.3 (MANE Select); coding-DNA position 1651, C replaced by G.
Protein change: p.Leu551Val; replaces leucine 551 with valine.
Molecular consequence: missense variant.
Genome position (GRCh38, 1-based): chr16:13,935,583, C>G. VCF-style: chr16-13935583-C-G. GRCh37 (hg19) VCF-style: chr16-14029440-C-G.
Other names: short protein forms L551V.
Identifiers: ClinVar variation 4790016 (VCV004790016.1).
Genomic context (GRCh38, chr16:13,935,583, plus strand): 5'-CATGAAGAATTTGATGTAAATTTGTCATCGGATGCTGCTTTCGGAATCCTGAAAGAACCC[C>G]TCACTATCATCCATCCGCTTCTGGGTTGCAGCGACCCCTATGCTCTGACAAGGGTACTAC-3'
Protein context (NP_005227.1, residues 541-561): DAAFGILKEP[Leu551Val]TIIHPLLGCS